The following is an entry in ClinVar:

NM_001379291.1(BRD4):c.2856C>T (p.Ser952=)

Gene: BRD4 (bromodomain containing 4; minus strand). Cytogenetic location: 19p13.12.
Variant type: single nucleotide variant.
Coding change: c.2856C>T on transcript NM_001379291.1 (MANE Select); coding-DNA position 2856, C replaced by T.
Protein change: p.Ser952=; no amino-acid change (serine 952 retained).
Molecular consequence: synonymous variant.
Genome position (GRCh38, 1-based): chr19:15,243,213, G>A on the plus strand (C>T on the coding strand, the complement: BRD4 is on the minus strand). VCF-style: chr19-15243213-G-A. GRCh37 (hg19) VCF-style: chr19-15354024-G-A.
Other names: c.2856C>T (NM_058243.2); c.2856C>T, p.Ser952= (NM_058243.3).
Identifiers: ClinVar variation 2041369 (VCV002041369.30), dbSNP rs570787628, ClinGen allele CA9264858.

ClinVar aggregate classification (germline): Likely benign. Review status: criteria provided, multiple submitters, no conflicts (2 of 4 stars). 4 submissions from 4 submitters: Likely benign (3). 1 of the submissions does not count toward it. Last evaluated 2026-07-01.

Conditions:
BRD4-related disorder. Also called: BRD4-related condition.

Allele frequency attached by ClinVar (database versions not stated): TOPMed 0.00007; gnomAD 0.00034; gnomAD exomes 0.00043; ExAC 0.00184; 1000 Genomes Project 30x 0.00390; 1000 Genomes Project 0.00399.
gnomAD v4.1: 560 of 1,335,432 alleles (0.042%); highest among the groups gnomAD compares: South Asian, 0.81%; 8 homozygotes.

Submissions (4):

CeGaT Center for Human Genetics Tuebingen
Classification: Likely benign. Last evaluated: 2026-07-01. Review status: criteria provided, single submitter. Criteria: CeGaT Center For Human Genetics Tuebingen Variant Classification Criteria Version 2. Collection method: clinical testing. Allele origin: germline. Affected: yes. Observed: 3 variant alleles.
Comment: BRD4: BP4, BP7

Labcorp Genetics (formerly Invitae), Labcorp
Classification: Likely benign. Last evaluated: 2026-01-24. Review status: criteria provided, single submitter. Criteria: Invitae Variant Classification Sherloc (09022015). Collection method: clinical testing. Allele origin: germline.

Blueprint Genetics
Classification: Likely benign. Last evaluated: 2024-11-19. Review status: criteria provided, single submitter. Criteria: ACMG Guidelines, 2015. Collection method: clinical testing. Allele origin: germline.

PreventionGenetics, part of Exact Sciences
Classification: Likely benign for BRD4-related condition. Last evaluated: 2020-01-13. Review status: no assertion criteria provided. Collection method: clinical testing. Allele origin: germline. Not counted in ClinVar's aggregate classification.
Comment: This variant is classified as likely benign based on ACMG/AMP sequence variant interpretation guidelines (Richards et al. 2015 PMID: 25741868, with internal and published modifications).